The following is an entry in ClinVar:

NM_001128425.2(MUTYH):c.20G>T (p.Arg7Leu)

Genes: TOE1 (target of EGR1, exonuclease; plus strand), MUTYH (mutY DNA glycosylase; minus strand). Cytogenetic location: 1p34.1.
Variant type: single nucleotide variant.
Coding change: c.20G>T on transcript NM_001128425.2 (MANE Plus Clinical); coding-DNA position 20, G replaced by T.
Protein change: p.Arg7Leu; replaces arginine 7 with leucine.
Molecular consequence: missense variant. On other transcripts: 5 prime UTR variant (8), non-coding transcript variant (3).
Genome position (GRCh38, 1-based): chr1:45,340,235, C>A on the plus strand (G>T on the coding strand, the complement: MUTYH is on the minus strand). VCF-style: chr1-45340235-C-A. GRCh37 (hg19) VCF-style: chr1-45805907-C-A.
Other names: c.-18C>A (NM_025077.4); c.-23G>T (NM_001048171.2); c.20G>T, p.Arg7Leu (NM_001293190.2, NM_001407069.1, NM_001407073.1 and 1 more transcripts); c.-235G>T (NM_001293192.2); c.-294G>T (NM_001350650.2); c.-230G>T (NM_001350651.2); c.-39G>T (NM_001407070.1, NM_001407071.1); c.-19G>T (NM_001407072.1); short protein forms R7L.
Identifiers: ClinVar variation 428284 (VCV000428284.16), dbSNP rs1114167687, ClinGen allele CA340137875.

ClinVar aggregate classification (germline): Uncertain significance. Review status: criteria provided, multiple submitters, no conflicts (2 of 4 stars). 3 submissions from 3 submitters: Uncertain significance (3). Last evaluated 2025-05-23.

Conditions:
Hereditary cancer-predisposing syndrome. Also called: Neoplastic Syndromes, Hereditary; Hereditary Cancer Syndrome; Tumor predisposition; Hereditary neoplastic syndrome. Identifiers: Orphanet 140162, MedGen C0027672, MeSH D009386, MONDO:0015356.
Familial adenomatous polyposis 2. Also called: FAP type 2; COLORECTAL ADENOMATOUS POLYPOSIS, AUTOSOMAL RECESSIVE; MYH-associated polyposis; MUTYH-associated polyposis; Adenomas, multiple colorectal; ADENOMAS, MULTIPLE COLORECTAL, AUTOSOMAL RECESSIVE. Identifiers: Orphanet 220460, Orphanet 247798, MedGen C3272841, MONDO:0012041, OMIM 608456.

gnomAD v4.1: 3 of 1,613,856 alleles (0.00019%); highest among the groups gnomAD compares: Non-Finnish European, 0.00017%; no homozygotes.

Submissions (3):

Labcorp Genetics (formerly Invitae), Labcorp
Classification: Uncertain significance for Familial adenomatous polyposis 2. Last evaluated: 2025-05-23. Review status: criteria provided, single submitter. Criteria: Invitae Variant Classification Sherloc (09022015). Collection method: clinical testing. Allele origin: germline.
Comment: This sequence change replaces arginine, which is basic and polar, with leucine, which is neutral and non-polar, at codon 7 of the MUTYH protein (p.Arg7Leu). This variant is not present in population databases (gnomAD no frequency). This variant has not been reported in the literature in individuals affected with MUTYH-related conditions. ClinVar contains an entry for this variant (Variation ID: 428284). An algorithm developed to predict the effect of missense changes on protein structure and function (PolyPhen-2) suggests that this variant is likely to be tolerated. In summary, the available evidence is currently insufficient to determine the role of this variant in disease. Therefore, it has been classified as a Variant of Uncertain Significance.

Baylor Genetics
Classification: Uncertain significance for Familial adenomatous polyposis 2. Last evaluated: 2023-07-29. Review status: criteria provided, single submitter. Criteria: ACMG Guidelines, 2015. Collection method: clinical testing. Allele origin: unknown.

Ambry Genetics
Classification: Uncertain significance for Hereditary cancer-predisposing syndrome. Last evaluated: 2022-07-12. Review status: criteria provided, single submitter. Criteria: Ambry Variant Classification Scheme 2023. Collection method: clinical testing. Allele origin: germline.
Comment: The p.R7L variant (also known as c.20G>T), located in coding exon 1 of the MUTYH gene, results from a G to T substitution at nucleotide position 20. The arginine at codon 7 is replaced by leucine, an amino acid with dissimilar properties. This amino acid position is well conserved in available vertebrate species. In addition, this alteration is predicted to be tolerated by in silico analysis. Since supporting evidence is limited at this time, the clinical significance of this alteration remains unclear.